The following is an entry in ClinVar:

NC_000012.12:g.121641261C>T

Gene: ORAI1 (ORAI calcium release-activated calcium modulator 1; plus strand). Cytogenetic location: 12q24.31.
Variant type: single nucleotide variant.
Genome position: GRCh38 VCF-style: chr12-121641261-C-T. GRCh37 (hg19) VCF-style: chr12-122079167-C-T.
Other names: c.524C>T, p.Ala175Val (NM_032790.4); short protein forms A175V.
Identifiers: ClinVar variation 2069036 (VCV002069036.4), dbSNP rs2503543554, ClinGen allele CA386983444.

ClinVar aggregate classification (germline): Uncertain significance (1 of 4 stars; one submission).

Conditions:
Myopathy, tubular aggregate, 2 (TAM2). Identifiers: MedGen C4014557, MONDO:0014383, OMIM 615883.
Combined immunodeficiency due to ORAI1 deficiency. Also called: IMMUNODEFICIENCY 9. Identifiers: Orphanet 169090, Orphanet 317428, MedGen C2748568, MONDO:0013007, OMIM 612782.

Submission:

Labcorp Genetics (formerly Invitae), Labcorp
Classification: Uncertain significance for Myopathy, tubular aggregate, 2; Combined immunodeficiency due to ORAI1 deficiency. Last evaluated: 2022-05-12. Review status: criteria provided, single submitter. Criteria: Invitae Variant Classification Sherloc (09022015). Collection method: clinical testing. Allele origin: germline.
Comment: This sequence change replaces alanine, which is neutral and non-polar, with valine, which is neutral and non-polar, at codon 175 of the ORAI1 protein (p.Ala175Val). This variant is not present in population databases (gnomAD no frequency). This variant has not been reported in the literature in individuals affected with ORAI1-related conditions. Experimental studies and prediction algorithms are not available or were not evaluated, and the functional significance of this variant is currently unknown. In summary, the available evidence is currently insufficient to determine the role of this variant in disease. Therefore, it has been classified as a Variant of Uncertain Significance.